The following is an entry in ClinVar:

ClinVar aggregate classification (germline): Uncertain significance (1 of 4 stars; one submission).

Conditions:
Hereditary cancer-predisposing syndrome. Also called: Neoplastic Syndromes, Hereditary; Tumor predisposition; Hereditary Cancer Syndrome; Hereditary neoplastic syndrome. Identifiers: Orphanet 140162, MedGen C0027672, MeSH D009386, MONDO:0015356.

Submission:

Ambry Genetics
Classification: Uncertain significance for Hereditary cancer-predisposing syndrome. Last evaluated: 2025-10-25. Review status: criteria provided, single submitter. Criteria: Ambry Variant Classification Scheme 2023. Collection method: clinical testing. Allele origin: germline.
Comment: The p.R292G variant (also known as c.874C>G), located in coding exon 8 of the FANCC gene, results from a C to G substitution at nucleotide position 874. The arginine at codon 292 is replaced by glycine, an amino acid with dissimilar properties. This amino acid position is conserved. In addition, the in silico prediction for this alteration is inconclusive. Based on the available evidence, the clinical significance of this variant remains unclear.

NM_000136.3(FANCC):c.874C>G (p.Arg292Gly)

Genes: AOPEP (aminopeptidase O (putative); plus strand), FANCC (FA complementation group C; minus strand). Cytogenetic location: 9q22.32.
Variant type: single nucleotide variant.
Coding change: c.874C>G on transcript NM_000136.3 (MANE Select); coding-DNA position 874, C replaced by G.
Protein change: p.Arg292Gly; replaces arginine 292 with glycine.
Molecular consequence: missense variant.
Genome position (GRCh38, 1-based): chr9:95,126,551, G>C on the plus strand (C>G on the coding strand, the complement: FANCC is on the minus strand). VCF-style: chr9-95126551-G-C. GRCh37 (hg19) VCF-style: chr9-97888833-G-C.
Other names: c.874C>G, p.Arg292Gly (NM_001243743.2, NM_001243744.2); short protein forms R292G.
Identifiers: ClinVar variation 4641140 (VCV004641140.1).